The following is an entry in ClinVar:

NM_001563.4(IMPG1):c.2021_2024dup (p.Tyr675Ter)

Gene: IMPG1 (interphotoreceptor matrix proteoglycan 1; minus strand). Cytogenetic location: 6q14.1.
Variant type: Duplication.
Coding change: c.2021_2024dup on transcript NM_001563.4 (MANE Select); coding-DNA positions 2021 to 2024, 4 bases duplicated (GCTA; older notation c.2021_2024dupGCTA).
Protein change: p.Tyr675Ter; replaces tyrosine 675 with a stop codon.
Molecular consequence: nonsense.
Genome position (GRCh38, 1-based): chr6:75,947,334-75,947,337, TAGC duplicated on the plus strand (GCTA on the coding strand, the reverse complement: IMPG1 is on the minus strand); duplicating any 4 consecutive bases within chr6:75,947,334-75,947,338 gives the same sequence; the c. name uses the placement nearest the transcript's 3' end. VCF-style (leftmost placement, unchanged base first): chr6-75947333-G-GTAGC. GRCh37 (hg19) VCF-style: chr6-76657050-G-GTAGC.
Other names: c.1787_1790dup, p.Tyr597Ter (NM_001282368.2); short protein forms Y675*, Y597*.
Identifiers: ClinVar variation 4717352 (VCV004717352.1).
Genomic context (GRCh38, chr6:75,947,333, plus strand): 5'-AACAAAACATCTCTACCACTTTCTGGGTTGGATTCTTTTACCTGGTTCAATGTTGAGAGA[G>GTAGC]TAGCTGTCTATTTCCAGATGGAGTTGTTGGGCTGCAGCAGAACGAAAATCCTCCAAGACC-3'

ClinVar aggregate classification (germline): Pathogenic (1 of 4 stars; one submission).

Submission:

Labcorp Genetics (formerly Invitae), Labcorp
Classification: Pathogenic. Last evaluated: 2025-04-12. Review status: criteria provided, single submitter. Criteria: Invitae Variant Classification Sherloc (09022015). Collection method: clinical testing. Allele origin: germline.
Comment: This sequence change creates a premature translational stop signal (p.Tyr675*) in the IMPG1 gene. It is expected to result in an absent or disrupted protein product. Loss-of-function variants in IMPG1 are known to be pathogenic (PMID: 23993198). This variant is not present in population databases (gnomAD no frequency). This variant has not been reported in the literature in individuals affected with IMPG1-related conditions. For these reasons, this variant has been classified as Pathogenic.

Literature cited by the submitters: PubMed 23993198.